The following is an entry in ClinVar:

NM_001851.6(COL9A1):c.604G>T (p.Glu202Ter)

Gene: COL9A1 (collagen type IX alpha 1 chain; minus strand). Cytogenetic location: 6q13.
Variant type: single nucleotide variant.
Coding change: c.604G>T on transcript NM_001851.6 (MANE Select); coding-DNA position 604, G replaced by T.
Protein change: p.Glu202Ter; replaces glutamic acid 202 with a stop codon.
Molecular consequence: nonsense.
Genome position (GRCh38, 1-based): chr6:70,294,259, C>A on the plus strand (G>T on the coding strand, the complement: COL9A1 is on the minus strand). VCF-style: chr6-70294259-C-A. GRCh37 (hg19) VCF-style: chr6-71003962-C-A.
Other names: c.604G>T, p.Glu202Ter (NM_001377291.1); short protein forms E202*.
Identifiers: ClinVar variation 2836717 (VCV002836717.3), dbSNP rs779384045, ClinGen allele CA3882772.

ClinVar aggregate classification (germline): Pathogenic (1 of 4 stars; one submission).

Allele frequency attached by ClinVar (database versions not stated): ExAC 0.00002.
gnomAD v4.1: 3 of 1,614,060 alleles (0.00019%); highest among the groups gnomAD compares: Non-Finnish European, 0.00025%; no homozygotes.

Submission:

Labcorp Genetics (formerly Invitae), Labcorp
Classification: Pathogenic. Last evaluated: 2023-07-28. Review status: criteria provided, single submitter. Criteria: Invitae Variant Classification Sherloc (09022015). Collection method: clinical testing. Allele origin: germline.
Comment: This sequence change creates a premature translational stop signal (p.Glu202*) in the COL9A1 gene. It is expected to result in an absent or disrupted protein product. Loss-of-function variants in COL9A1 are known to be pathogenic (PMID: 16909383, 21421862). This variant is present in population databases (rs779384045, gnomAD 0.002%). This variant has not been reported in the literature in individuals affected with COL9A1-related conditions. Algorithms developed to predict the effect of sequence changes on RNA splicing suggest that this variant may disrupt the consensus splice site. For these reasons, this variant has been classified as Pathogenic.

Literature cited by the submitters: PubMed 16909383; PubMed 21421862.